The following is an entry in ClinVar:

NM_001330691.3(CEP78):c.2027C>G (p.Thr676Ser)

Gene: CEP78 (centrosomal protein 78; plus strand). Cytogenetic location: 9q21.2.
Variant type: single nucleotide variant.
Coding change: c.2027C>G on transcript NM_001330691.3 (MANE Select); coding-DNA position 2027, C replaced by G.
Protein change: p.Thr676Ser; replaces threonine 676 with serine.
Molecular consequence: missense variant.
Genome position (GRCh38, 1-based): chr9:78,266,623, C>G. VCF-style: chr9-78266623-C-G. GRCh37 (hg19) VCF-style: chr9-80881539-C-G.
Other names: c.2030C>G (NM_001098802.1); c.2030C>G, p.Thr677Ser (NM_001098802.3, NM_001349839.2); c.1979C>G, p.Thr660Ser (NM_001330693.3, NM_001330694.2); c.2027C>G, p.Thr676Ser (NM_001349838.2); c.1982C>G, p.Thr661Ser (NM_001349840.2, NM_032171.3); short protein forms T660S, T661S, T676S, T677S.
Identifiers: ClinVar variation 1054443 (VCV001054443.9), dbSNP rs1048875990, ClinGen allele CA194409203.
Genomic context (GRCh38, chr9:78,266,623, plus strand): 5'-AGCGGCAGGAGTCTTTTGAAGGATTCATTGCTAGAATGTGTTCTCCTTCACCAGATGCGA[C>G]TTCTGGAACTGGAAGTCAAAGAAAAGAAGAGGAGTTGTCCAGAAATAGCAGATCTTCTTC-3'
Protein context (NP_001317620.1, residues 666-686): ARMCSPSPDA[Thr676Ser]SGTGSQRKEE

ClinVar aggregate classification (germline): Uncertain significance. Review status: criteria provided, multiple submitters, no conflicts (2 of 4 stars). 3 submissions from 3 submitters: Uncertain significance (3). Last evaluated 2026-05-04.

Conditions:
Inborn genetic diseases. Identifiers: MedGen C0950123, MeSH D030342.
CEP78-related disorder. Also called: CEP78-related condition.

Allele frequency attached by ClinVar (database versions not stated): gnomAD exomes below 0.00001 and 0.00001; gnomAD 0.00004 and 0.00005; TOPMed 0.00007.
gnomAD v4.1: 11 of 1,612,972 alleles (0.00068%); highest among the groups gnomAD compares: African/African-American, 0.0093%; no homozygotes.

Submissions (3):

PreventionGenetics, part of Exact Sciences
Classification: Uncertain significance for CEP78-related condition. Last evaluated: 2026-05-04. Review status: criteria provided, single submitter. Criteria: ACMG Guidelines, 2015. Collection method: clinical testing. Allele origin: germline.
Comment: The CEP78 c.2030C>G variant is predicted to result in the amino acid substitution p.Thr677Ser. To our knowledge, this variant has not been reported in the literature. This variant is reported in 0.0029% of alleles in individuals of Latino descent in gnomAD. At this time, the clinical significance of this variant is uncertain due to the absence of conclusive functional and genetic evidence.

Labcorp Genetics (formerly Invitae), Labcorp
Classification: Uncertain significance. Last evaluated: 2025-01-27. Review status: criteria provided, single submitter. Criteria: Invitae Variant Classification Sherloc (09022015). Collection method: clinical testing. Allele origin: germline.
Comment: This sequence change replaces threonine, which is neutral and polar, with serine, which is neutral and polar, at codon 677 of the CEP78 protein (p.Thr677Ser). This variant is present in population databases (no rsID available, gnomAD 0.003%). This variant has not been reported in the literature in individuals affected with CEP78-related conditions. ClinVar contains an entry for this variant (Variation ID: 1054443). An algorithm developed to predict the effect of missense changes on protein structure and function (PolyPhen-2) suggests that this variant is likely to be tolerated. In summary, the available evidence is currently insufficient to determine the role of this variant in disease. Therefore, it has been classified as a Variant of Uncertain Significance.

Ambry Genetics
Classification: Uncertain significance for Inborn genetic diseases. Last evaluated: 2024-11-09. Review status: criteria provided, single submitter. Criteria: Ambry Variant Classification Scheme 2023. Collection method: clinical testing. Allele origin: germline.